The following is an entry in ClinVar:

ClinVar aggregate classification (germline): Uncertain significance (1 of 4 stars; one submission).

Conditions:
Polyhydramnios, megalencephaly, and symptomatic epilepsy (PMSE). Also called: PMSE SYNDROME. Identifiers: Orphanet 500533, MedGen C1970203, MONDO:0012611, OMIM 611087.

Submission:

Labcorp Genetics (formerly Invitae), Labcorp
Classification: Uncertain significance for Polyhydramnios, megalencephaly, and symptomatic epilepsy. Last evaluated: 2023-11-02. Review status: criteria provided, single submitter. Criteria: Invitae Variant Classification Sherloc (09022015). Collection method: clinical testing. Allele origin: germline.
Comment: This variant results in a copy number gain of the genomic region encompassing exon(s) 2-3 of the STRADA gene. This region includes the initiator codon of the gene. This copy number gain extends beyond the assayed region for this gene and therefore may encompass additional genes. As the precise location of this event is unknown, it may be in tandem or it may be located elsewhere in the genome. This variant has not been reported in the literature in individuals affected with STRADA-related conditions. In summary, the available evidence is currently insufficient to determine the role of this variant in disease. Therefore, it has been classified as a Variant of Uncertain Significance.

NC_000017.10:g.(?_61803978)_(61805729_?)dup

Gene: STRADA (STE20 related adaptor alpha; minus strand). Cytogenetic location: 17q23.3.
Variant type: Duplication.
Identifiers: ClinVar variation 1435478 (VCV001435478.7).